The following is an entry in ClinVar:

NM_024649.5(BBS1):c.830+2T>A

Genes: BBS1 (Bardet-Biedl syndrome 1; plus strand), ZDHHC24 (zDHHC palmitoyltransferase 24; minus strand). Cytogenetic location: 11q13.2.
Variant type: single nucleotide variant.
Coding change: c.830+2T>A on transcript NM_024649.5 (MANE Select); the canonical splice donor site of the intron after coding-DNA position 830, T replaced by A.
Molecular consequence: splice donor variant. On other transcripts: 3 prime UTR variant (1).
Genome position (GRCh38, 1-based): chr11:66,521,378, T>A. VCF-style: chr11-66521378-T-A. GRCh37 (hg19) VCF-style: chr11-66288849-T-A.
Other names: c.*110A>T (NM_001348571.2).
Identifiers: ClinVar variation 2701286 (VCV002701286.4), dbSNP rs1856209722, ClinGen allele CA381459666.

ClinVar aggregate classification (germline): Likely pathogenic (1 of 4 stars; one submission).

Conditions:
Bardet-Biedl syndrome (BBS). Identifiers: Orphanet 110, MedGen C0752166, MONDO:0015229.

Submission:

Labcorp Genetics (formerly Invitae), Labcorp
Classification: Likely pathogenic for Bardet-Biedl syndrome. Last evaluated: 2023-12-06. Review status: criteria provided, single submitter. Criteria: Invitae Variant Classification Sherloc (09022015). Collection method: clinical testing. Allele origin: germline.
Comment: This sequence change affects a donor splice site in intron 9 of the BBS1 gene. It is expected to disrupt RNA splicing. Variants that disrupt the donor or acceptor splice site typically lead to a loss of protein function (PMID: 16199547), and loss-of-function variants in BBS1 are known to be pathogenic (PMID: 12118255, 21520335, 27032803). This variant is not present in population databases (gnomAD no frequency). Disruption of this splice site has been observed in individual(s) with BBS1-related conditions (PMID: 31130284). Algorithms developed to predict the effect of sequence changes on RNA splicing suggest that this variant may disrupt the consensus splice site. In summary, the currently available evidence indicates that the variant is pathogenic, but additional data are needed to prove that conclusively. Therefore, this variant has been classified as Likely Pathogenic.

Literature cited by the submitters: PubMed 16199547; PubMed 12118255; PubMed 21520335; PubMed 27032803; PubMed 31130284.